The following is an entry in ClinVar:

NM_133433.4(NIPBL):c.7439_7440del (p.Arg2480fs)

Gene: NIPBL (NIPBL cohesin loading factor; plus strand). Cytogenetic location: 5p13.2.
Variant type: Microsatellite.
Coding change: c.7439_7440del on transcript NM_133433.4 (MANE Select); coding-DNA positions 7439 to 7440, 2 bases deleted (GA; older notation c.7439_7440delGA).
Protein change: p.Arg2480fs; shifts the reading frame from arginine 2480.
Molecular consequence: frameshift variant.
Genome position (GRCh38, 1-based): chr5:37,058,919-37,058,920, GA deleted; deleting any 2 consecutive bases within chr5:37,058,914-37,058,920 gives the same sequence; the c. name uses the placement nearest the transcript's 3' end. VCF-style (leftmost placement, unchanged base first): chr5-37058913-AAG-A. GRCh37 (hg19) VCF-style: chr5-37059015-AAG-A.
Other names: c.7439_7440del, p.Arg2480fs (NM_015384.5); short protein forms R2480fs.
Identifiers: ClinVar variation 159230 (VCV000159230.11), dbSNP rs587784043, ClinGen allele CA272307.
Genomic context (GRCh38, chr5:37,058,913, plus strand): 5'-TTTGTTTTTATTGTTTATCAAACGATTTTTTCTTTCAGTCTATGGTAAAGGACAAAAGGA[AAG>A]AGAGAAAATCATCACCTAGTAAGGAAAATGAGTCAAGCGACAGTGAAGAAGAAGTTTCCA-3'

ClinVar aggregate classification (germline): Pathogenic. Review status: criteria provided, multiple submitters, no conflicts (2 of 4 stars). 6 submissions from 6 submitters: Pathogenic (4). 2 of the submissions do not count toward it. Last evaluated 2024-02-27.

Conditions:
NIPBL-related disorder. Also called: NIPBL-related condition.
Cornelia de Lange syndrome 1 (CDLS1). Also called: Brachmann de Lange syndrome; NIPBL-Related Cornelia de Lange Syndrome; TYPUS DEGENERATIVUS AMSTELODAMENSIS. Identifiers: Orphanet 199, MedGen C4551851, MONDO:0007387, OMIM 122470.

Submissions (6):

Blueprint Genetics
Classification: Pathogenic for NIPBL-related disorders. Last evaluated: 2024-02-27. Review status: criteria provided, single submitter. Criteria: ACMG Guidelines, 2015. Collection method: clinical testing. Allele origin: germline. Affected: yes. Observed: 1 variant allele.

GeneDx
Classification: Pathogenic. Last evaluated: 2022-11-02. Review status: criteria provided, single submitter. Criteria: GeneDx Variant Classification Process June 2021. Collection method: clinical testing. Allele origin: germline. Affected: yes.
Comment: Frameshift variant predicted to result in protein truncation or nonsense mediated decay in a gene for which loss of function is a known mechanism of disease; Not observed at significant frequency in large population cohorts (gnomAD); This variant is associated with the following publications: (PMID: 23254390, 16770807, 34358384, 30692697, 32033219, 20358602)

Genome-Nilou Lab
Classification: Pathogenic for Cornelia de Lange syndrome 1. Last evaluated: 2021-07-15. Review status: criteria provided, single submitter. Criteria: ACMG Guidelines, 2015. Collection method: clinical testing. Allele origin: germline. Affected: no.

Genetic Services Laboratory, University of Chicago
Classification: Pathogenic for Cornelia de Lange syndrome 1. Last evaluated: 2013-02-08. Review status: criteria provided, single submitter. Criteria: ACMG Guidelines, 2007. Collection method: clinical testing. Allele origin: germline. Inheritance: Autosomal dominant inheritance. Affected: yes.

PreventionGenetics, part of Exact Sciences
Classification: Pathogenic for NIPBL-related condition. Last evaluated: 2024-03-06. Review status: no assertion criteria provided. Collection method: clinical testing. Allele origin: germline. Not counted in ClinVar's aggregate classification.
Comment: The NIPBL c.7439_7440delGA variant is predicted to result in a frameshift and premature protein termination (p.Arg2480Lysfs*5). This variant has been reported in several individuals with Cornelia de Lange syndrome, and occurred de novo in at least one of the reported individuals (Yan et al. 2006. PubMed ID: 16770807, described as c.7438-7439delAG; Zhang et al. 2019. PubMed ID: 30692697; Table S1, Mohan et al. 2022. PubMed ID: 34358384). This variant has not been reported in a large population database, indicating this variant is rare. Frameshift variants in NIPBL are expected to be pathogenic. This variant is interpreted as pathogenic.

Baylor Genetics
Classification: Pathogenic for Cornelia de Lange Syndrome 1. Last evaluated: 2018-11-18. Review status: no assertion criteria provided. Collection method: clinical testing. Allele origin: germline. Affected: yes. Not counted in ClinVar's aggregate classification.